The following is an entry in ClinVar:

ClinVar aggregate classification (germline): Uncertain significance (1 of 4 stars; one submission).

Conditions:
Granulomatous disease, chronic, autosomal recessive, cytochrome b-negative. Also called: GRANULOMATOUS DISEASE, CHRONIC, AUTOSOMAL RECESSIVE, 4; Chronic granulomatous disease, autosomal, due to deficiency of CYBA; CGD DUE TO DEFICIENCY OF THE ALPHA SUBUNIT OF CYTOCHROME b; CGD, AUTOSOMAL RECESSIVE CYTOCHROME b-NEGATIVE; CYBA DEFICIENCY. Identifiers: Orphanet 379, MedGen C1856255, MONDO:0009308, OMIM 233690.

Allele frequency attached by ClinVar (database versions not stated): gnomAD exomes 0.00001.
gnomAD v4.1: 7 of 1,557,068 alleles (0.00045%); highest among the groups gnomAD compares: Admixed American, 0.0038%; no homozygotes.

Submissions (2):

Labcorp Genetics (formerly Invitae), Labcorp
Classification: Uncertain significance for Granulomatous disease, chronic, autosomal recessive, cytochrome b-negative. Last evaluated: 2021-08-28. Review status: criteria provided, single submitter. Criteria: Invitae Variant Classification Sherloc (09022015). Collection method: clinical testing. Allele origin: germline.
Comment: This sequence change replaces alanine with valine at codon 117 of the CYBA protein (p.Ala117Val). The alanine residue is highly conserved and there is a small physicochemical difference between alanine and valine. This variant is not present in population databases (ExAC no frequency). This variant has not been reported in the literature in individuals affected with CYBA-related conditions. Algorithms developed to predict the effect of missense changes on protein structure and function are either unavailable or do not agree on the potential impact of this missense change (SIFT: "Deleterious"; PolyPhen-2: "Probably Damaging"; Align-GVGD: "Class C0"). Algorithms developed to predict the effect of sequence changes on RNA splicing suggest that this variant may create or strengthen a splice site. In summary, the available evidence is currently insufficient to determine the role of this variant in disease. Therefore, it has been classified as a Variant of Uncertain Significance.

Dr. Peter K. Rogan Lab, Western University
No classification provided (evidence only). Condition: Colon adenocarcinoma. Review status: no classification provided. Collection method: in vitro. Allele origin: not applicable. Functional consequence: retained intron. Not counted in ClinVar's aggregate classification.

NM_000101.4(CYBA):c.350C>T (p.Ala117Val)

Gene: CYBA (cytochrome b-245 alpha chain; minus strand). Cytogenetic location: 16q24.2.
Variant type: single nucleotide variant.
Coding change: c.350C>T on transcript NM_000101.4 (MANE Select); coding-DNA position 350, C replaced by T.
Protein change: p.Ala117Val; replaces alanine 117 with valine.
Molecular consequence: missense variant.
Genome position (GRCh38, 1-based): chr16:88,646,135, G>A on the plus strand (C>T on the coding strand, the complement: CYBA is on the minus strand). VCF-style: chr16-88646135-G-A. GRCh37 (hg19) VCF-style: chr16-88712543-G-A.
Other names: short protein forms A117V.
Identifiers: ClinVar variation 655008 (VCV000655008.4), dbSNP rs868210009, ClinGen allele CA286352460.